The following is an entry in ClinVar:

ClinVar aggregate classification (germline): Likely benign. Review status: criteria provided, multiple submitters, no conflicts (2 of 4 stars). 2 submissions from 2 submitters: Likely benign (2). Last evaluated 2022-06-01.

Conditions:
Werner syndrome (WRN). Identifiers: Orphanet 902, MedGen C0043119, MONDO:0010196, OMIM 277700.

Submissions (2):

CeGaT Center for Human Genetics Tuebingen
Classification: Likely benign. Last evaluated: 2022-06-01. Review status: criteria provided, single submitter. Criteria: CeGaT Center For Human Genetics Tuebingen Variant Classification Criteria Version 2. Collection method: clinical testing. Allele origin: germline. Affected: yes. Observed: 1 variant allele.
Comment: WRN: PM2:Supporting, BP4, BP7

Labcorp Genetics (formerly Invitae), Labcorp
Classification: Likely benign for Werner syndrome. Last evaluated: 2018-12-04. Review status: criteria provided, single submitter. Criteria: Invitae Variant Classification Sherloc (09022015). Collection method: clinical testing. Allele origin: germline.

NM_000553.6(WRN):c.108G>A (p.Arg36=)

Gene: WRN (WRN RecQ like helicase; plus strand). Cytogenetic location: 8p12.
Variant type: single nucleotide variant.
Coding change: c.108G>A on transcript NM_000553.6 (MANE Select); coding-DNA position 108, G replaced by A.
Protein change: p.Arg36=; no amino-acid change (arginine 36 retained).
Molecular consequence: synonymous variant.
Genome position (GRCh38, 1-based): chr8:31,059,164, G>A. VCF-style: chr8-31059164-G-A. GRCh37 (hg19) VCF-style: chr8-30916680-G-A.
Identifiers: ClinVar variation 796532 (VCV000796532.30), dbSNP rs1385455441, ClinGen allele CA460218039.